The following is an entry in ClinVar:

NM_017849.4(TMEM127):c.461T>A (p.Ile154Asn)

Gene: TMEM127 (transmembrane protein 127; minus strand). Cytogenetic location: 2q11.2.
Variant type: single nucleotide variant.
Coding change: c.461T>A on transcript NM_017849.4 (MANE Select); coding-DNA position 461, T replaced by A.
Protein change: p.Ile154Asn; replaces isoleucine 154 with asparagine.
Molecular consequence: missense variant.
Genome position (GRCh38, 1-based): chr2:96,254,064, A>T on the plus strand (T>A on the coding strand, the complement: TMEM127 is on the minus strand). VCF-style: chr2-96254064-A-T. GRCh37 (hg19) VCF-style: chr2-96919802-A-T.
Other names: c.461T>A, p.Ile154Asn (NM_001193304.3); c.209T>A, p.Ile70Asn (NM_001407282.1, NM_001407283.1); short protein forms I70N, I154N.
Identifiers: ClinVar variation 3724587 (VCV003724587.2).

ClinVar aggregate classification (germline): Uncertain significance (1 of 4 stars; one submission).

Conditions:
Hereditary pheochromocytoma and paraganglioma. Also called: Hereditary paragangliomas and pheochromocytomas; Hereditary Paraganglioma-Pheochromocytoma Syndromes; Hereditary pheochromocytoma-paraganglioma. Identifiers: Orphanet 29072, MedGen C4274332, MONDO:0017366.

Submission:

Labcorp Genetics (formerly Invitae), Labcorp
Classification: Uncertain significance for Hereditary pheochromocytoma and paraganglioma. Last evaluated: 2024-11-04. Review status: criteria provided, single submitter. Criteria: Invitae Variant Classification Sherloc (09022015). Collection method: clinical testing. Allele origin: germline.
Comment: This sequence change replaces isoleucine, which is neutral and non-polar, with asparagine, which is neutral and polar, at codon 154 of the TMEM127 protein (p.Ile154Asn). This variant is not present in population databases (gnomAD no frequency). This variant has not been reported in the literature in individuals affected with TMEM127-related conditions. An algorithm developed to predict the effect of missense changes on protein structure and function (PolyPhen-2) suggests that this variant is likely to be disruptive. In summary, the available evidence is currently insufficient to determine the role of this variant in disease. Therefore, it has been classified as a Variant of Uncertain Significance.